The following is an entry in ClinVar:

ClinVar aggregate classification (germline): Benign. Review status: criteria provided, multiple submitters, no conflicts (2 of 4 stars). 2 submissions from 2 submitters: Benign (2). Last evaluated 2024-04-29.

Conditions:
Hereditary pancreatitis (PCTT). Also called: PRSS1-Related Hereditary Pancreatitis; Hereditary chronic pancreatitis. Identifiers: Orphanet 676, MedGen C0238339, MONDO:0008185, OMIM 167800.

Allele frequency attached by ClinVar (database versions not stated): 1000 Genomes Project 30x 0.31418.

Submissions (2):

Labcorp Genetics (formerly Invitae), Labcorp
Classification: Benign for Hereditary pancreatitis. Last evaluated: 2024-04-29. Review status: criteria provided, single submitter. Criteria: Invitae Variant Classification Sherloc (09022015). Collection method: clinical testing. Allele origin: germline.

Laboratory for Molecular Medicine, Mass General Brigham Personalized Medicine
Classification: Benign. Last evaluated: 2016-03-28. Review status: criteria provided, single submitter. Criteria: LMM Criteria. Collection method: clinical testing. Allele origin: germline.
Comment: Variant identified in a genome or exome case(s) and assessed due to predicted null impact of the variant or pathogenic assertions in the literature or databases. Disclaimer: This variant has not undergone full assessment. The following are preliminary notes: Frequency

NM_002769.5(PRSS1):c.146G>T (p.Gly49Val)

Genes: PRSS1 (serine protease 1; plus strand), TRB (T cell receptor beta locus; plus strand). Cytogenetic location: 7q34.
Variant type: single nucleotide variant.
Coding change: c.146G>T on transcript NM_002769.5 (MANE Select); coding-DNA position 146, G replaced by T.
Protein change: p.Gly49Val; replaces glycine 49 with valine.
Molecular consequence: missense variant.
Genome position (GRCh38, 1-based): chr7:142,750,660, G>T. VCF-style: chr7-142750660-G-T. GRCh37 (hg19) VCF-style: chr7-142458511-G-T.
Other names: short protein forms G49V.
Identifiers: ClinVar variation 403349 (VCV000403349.9), dbSNP rs138464021, ClinGen allele CA4529688.